The following is an entry in ClinVar:

ClinVar aggregate classification (germline): Uncertain significance (1 of 4 stars; one submission).

Submission:

Labcorp Genetics (formerly Invitae), Labcorp
Classification: Uncertain significance. Last evaluated: 2021-09-14. Review status: criteria provided, single submitter. Criteria: Invitae Variant Classification Sherloc (09022015). Collection method: clinical testing. Allele origin: germline.
Comment: In summary, the available evidence is currently insufficient to determine the role of this variant in disease. Therefore, it has been classified as a Variant of Uncertain Significance. Algorithms developed to predict the effect of missense changes on protein structure and function output the following: SIFT: "Tolerated"; PolyPhen-2: "Benign"; Align-GVGD: "Class C0". The leucine amino acid residue is found in multiple mammalian species, which suggests that this missense change does not adversely affect protein function. This sequence change replaces proline with leucine at codon 1592 of the PCDH15 protein (p.Pro1592Leu). The proline residue is moderately conserved and there is a moderate physicochemical difference between proline and leucine. This variant is not present in population databases (ExAC no frequency). This variant has not been reported in the literature in individuals affected with PCDH15-related conditions.

NM_033056.4(PCDH15):c.4775C>T (p.Pro1592Leu)

Gene: PCDH15 (protocadherin related 15; minus strand). Cytogenetic location: 10q21.1.
Variant type: single nucleotide variant.
Coding change: c.4775C>T on transcript NM_033056.4 (MANE Plus Clinical); coding-DNA position 4775, C replaced by T.
Protein change: p.Pro1592Leu; replaces proline 1592 with leucine.
Molecular consequence: missense variant. On other transcripts: intron variant (8).
Genome position (GRCh38, 1-based): chr10:53,822,951, G>A on the plus strand (C>T on the coding strand, the complement: PCDH15 is on the minus strand). VCF-style: chr10-53822951-G-A. GRCh37 (hg19) VCF-style: chr10-55582711-G-A.
Other names: c.4796C>T, p.Pro1599Leu (NM_001142763.2); c.4781C>T, p.Pro1594Leu (NM_001142764.2); c.4568C>T, p.Pro1523Leu (NM_001142765.2); c.4766C>T, p.Pro1589Leu (NM_001142766.2); c.4655C>T, p.Pro1552Leu (NM_001142767.2); c.4715C>T, p.Pro1572Leu (NM_001142768.2); c.4706C>T, p.Pro1569Leu (NM_001142773.2); c.4709C>T, p.Pro1570Leu (NM_001354404.2); and 6 more; short protein forms P1589L, P1594L, P1599L, P1569L, P1523L, P1552L, P1570L, P1592L.
Identifiers: ClinVar variation 1381018 (VCV001381018.6), dbSNP rs2132504706, ClinGen allele CA376526600.